The following is an entry in ClinVar:

NM_000540.3(RYR1):c.7423del (p.Gln2475fs)

Gene: RYR1 (ryanodine receptor 1; plus strand). Cytogenetic location: 19q13.2.
Variant type: Deletion.
Coding change: c.7423del on transcript NM_000540.3 (MANE Select); coding-DNA position 7423, one base deleted (C; older notation c.7423delC).
Protein change: p.Gln2475fs; shifts the reading frame from glutamine 2475.
Molecular consequence: frameshift variant.
Genome position (GRCh38, 1-based): chr19:38,500,705, C deleted. VCF-style (leftmost placement, unchanged base first): chr19-38500704-GC-G. GRCh37 (hg19) VCF-style: chr19-38991344-GC-G.
Other names: c.7423del, p.Gln2475fs (NM_001042723.2); short protein forms Q2475fs.
Identifiers: ClinVar variation 4748014 (VCV004748014.1).
Genomic context (GRCh38, chr19:38,500,704, plus strand): 5'-CGCCATCCTCCGCTCCCTTGTGCCCTTGGAGGACCTTGTGGGCATCATCAGCCTCCCACT[GC>G]AGATTCCCACCCTGGGCAAAGGTGCAGAGGGGATGGAACTTGGCGAAGGAGTGATGCTGG-3'

ClinVar aggregate classification (germline): Pathogenic (1 of 4 stars; one submission).

Conditions:
RYR1-related disorder. Also called: RYR1-related condition; RYR1-related disorders. Identifiers: MedGen CN239331.

Submission:

Labcorp Genetics (formerly Invitae), Labcorp
Classification: Pathogenic for RYR1-related disorder. Last evaluated: 2025-05-18. Review status: criteria provided, single submitter. Criteria: Invitae Variant Classification Sherloc (09022015). Collection method: clinical testing. Allele origin: germline.
Comment: This sequence change creates a premature translational stop signal (p.Gln2475Argfs*56) in the RYR1 gene. It is expected to result in an absent or disrupted protein product. Loss-of-function variants in RYR1 are known to be pathogenic (PMID: 23919265, 25960145, 28818389, 30611313). This variant is not present in population databases (gnomAD no frequency). This variant has not been reported in the literature in individuals affected with RYR1-related conditions. For these reasons, this variant has been classified as Pathogenic.

Literature cited by the submitters: PubMed 23919265; PubMed 25960145; PubMed 28818389; PubMed 30611313.